The following is an entry in ClinVar:

ClinVar aggregate classification (germline): Benign (1 of 4 stars; one submission).

Allele frequency attached by ClinVar (database versions not stated): TOPMed 0.00042; gnomAD 0.00058; gnomAD exomes 0.00069.
gnomAD v4.1: 183 of 285,424 alleles (0.064%); highest among the groups gnomAD compares: Non-Finnish European, 0.1%; no homozygotes.

Submission:

CeGaT Center for Human Genetics Tuebingen
Classification: Benign. Last evaluated: 2026-02-01. Review status: criteria provided, single submitter. Criteria: CeGaT Center For Human Genetics Tuebingen Variant Classification Criteria Version 2. Collection method: clinical testing. Allele origin: germline. Affected: yes. Observed: 3 variant alleles.
Comment: KCNQ1OT1: BS1, BS2

NM_000218.3(KCNQ1):c.1514+37637G>C

Genes: KCNQ1 (potassium voltage-gated channel subfamily Q member 1; plus strand), KCNQ1OT1 (KCNQ1 opposite strand/antisense transcript 1; minus strand). Cytogenetic location: 11p15.5.
Variant type: single nucleotide variant.
Coding change: c.1514+37637G>C on transcript NM_000218.3 (MANE Select); 37637 bases into the intron after coding-DNA position 1514, G replaced by C.
Molecular consequence: intron variant.
Genome position (GRCh38, 1-based): chr11:2,699,718, G>C. VCF-style: chr11-2699718-G-C. GRCh37 (hg19) VCF-style: chr11-2720948-G-C.
Other names: c.1244+37637G>C (NM_001406837.1); c.1418+37637G>C (NM_001406836.1); c.974+37637G>C (NM_001406838.1); c.1133+37637G>C (NM_181798.2).
Identifiers: ClinVar variation 2498502 (VCV002498502.28), dbSNP rs534728847, ClinGen allele CA216198622.